The following is an entry in ClinVar:

NM_198576.4(AGRN):c.2308C>T (p.Pro770Ser)

Gene: AGRN (agrin; plus strand). Cytogenetic location: 1p36.33.
Variant type: single nucleotide variant.
Coding change: c.2308C>T on transcript NM_198576.4 (MANE Select); coding-DNA position 2308, C replaced by T.
Protein change: p.Pro770Ser; replaces proline 770 with serine.
Molecular consequence: missense variant.
Genome position (GRCh38, 1-based): chr1:1,045,214, C>T. VCF-style: chr1-1045214-C-T. GRCh37 (hg19) VCF-style: chr1-980594-C-T.
Other names: c.2308C>T, p.Pro770Ser (NM_001305275.2); c.1993C>T, p.Pro665Ser (NM_001364727.2); short protein forms P770S, P665S.
Identifiers: ClinVar variation 2115465 (VCV002115465.4), dbSNP rs2522708604, ClinGen allele CA337838641.

ClinVar aggregate classification (germline): Uncertain significance (1 of 4 stars; one submission).

Conditions:
Congenital myasthenic syndrome 8. Also called: MYASTHENIC SYNDROME, CONGENITAL, DUE TO AGRIN DEFICIENCY; Myasthenic syndrome, congenital, 8, with pre- and postsynaptic defects. Identifiers: Orphanet 590, MedGen C3808739, MONDO:0014052, OMIM 615120.

Allele frequency attached by ClinVar (database versions not stated): gnomAD exomes 0.00001.
gnomAD v4.1: 3 of 1,612,644 alleles (0.00019%); highest among the groups gnomAD compares: South Asian, 0.0033%; no homozygotes.

Submission:

Labcorp Genetics (formerly Invitae), Labcorp
Classification: Uncertain significance for Congenital myasthenic syndrome 8. Last evaluated: 2022-03-21. Review status: criteria provided, single submitter. Criteria: Invitae Variant Classification Sherloc (09022015). Collection method: clinical testing. Allele origin: germline.
Comment: This sequence change replaces proline, which is neutral and non-polar, with serine, which is neutral and polar, at codon 770 of the AGRN protein (p.Pro770Ser). This variant is not present in population databases (gnomAD no frequency). This variant has not been reported in the literature in individuals affected with AGRN-related conditions. Algorithms developed to predict the effect of missense changes on protein structure and function are either unavailable or do not agree on the potential impact of this missense change (SIFT: "Tolerated"; PolyPhen-2: "Possibly Damaging"; Align-GVGD: "Class C0"). In summary, the available evidence is currently insufficient to determine the role of this variant in disease. Therefore, it has been classified as a Variant of Uncertain Significance.